The following is an entry in ClinVar:

ClinVar aggregate classification (germline): Uncertain significance (1 of 4 stars; one submission).

Conditions:
Polyglucosan body myopathy type 1 (PGBM1). Also called: POLYGLUCOSAN BODY MYOPATHY WITHOUT IMMUNODEFICIENCY; Polyglucosan body myopathy 1 with or without immunodeficiency. Identifiers: Orphanet 329173, Orphanet 397937, MedGen C4014605, MONDO:0014389, OMIM 615895.

Submission:

Labcorp Genetics (formerly Invitae), Labcorp
Classification: Uncertain significance for Polyglucosan body myopathy type 1. Last evaluated: 2021-12-03. Review status: criteria provided, single submitter. Criteria: Invitae Variant Classification Sherloc (09022015). Collection method: clinical testing. Allele origin: germline.
Comment: Algorithms developed to predict the effect of missense changes on protein structure and function are either unavailable or do not agree on the potential impact of this missense change (SIFT: "Not Available"; PolyPhen-2: "Possibly Damaging"; Align-GVGD: "Not Available"). In summary, the available evidence is currently insufficient to determine the role of this variant in disease. Therefore, it has been classified as a Variant of Uncertain Significance. This variant has not been reported in the literature in individuals affected with RBCK1-related conditions. This variant is not present in population databases (gnomAD no frequency). This sequence change replaces cysteine, which is neutral and slightly polar, with serine, which is neutral and polar, at codon 332 of the RBCK1 protein (p.Cys332Ser).

NM_031229.4(RBCK1):c.994T>A (p.Cys332Ser)

Gene: RBCK1 (RANBP2-type and C3HC4-type zinc finger containing 1; plus strand). Cytogenetic location: 20p13.
Variant type: single nucleotide variant.
Coding change: c.994T>A on transcript NM_031229.4 (MANE Select); coding-DNA position 994, T replaced by A.
Protein change: p.Cys332Ser; replaces cysteine 332 with serine.
Molecular consequence: missense variant. On other transcripts: non-coding transcript variant (1).
Genome position (GRCh38, 1-based): chr20:422,203, T>A. VCF-style: chr20-422203-T-A. GRCh37 (hg19) VCF-style: chr20-402847-T-A.
Other names: c.484T>A, p.Cys162Ser (NM_001323956.2, NM_001323958.2); c.868T>A, p.Cys290Ser (NM_006462.6); short protein forms C162S, C290S, C332S.
Identifiers: ClinVar variation 1396153 (VCV001396153.6), dbSNP rs2122282299, ClinGen allele CA407931011.